The following is an entry in ClinVar:

NM_005402.4(RALA):c.310A>G (p.Thr104Ala)

Gene: RALA (RAS like proto-oncogene A; plus strand). Cytogenetic location: 7p14.1.
Variant type: single nucleotide variant.
Coding change: c.310A>G on transcript NM_005402.4 (MANE Select); coding-DNA position 310, A replaced by G.
Protein change: p.Thr104Ala; replaces threonine 104 with alanine.
Molecular consequence: missense variant.
Genome position (GRCh38, 1-based): chr7:39,690,577, A>G. VCF-style: chr7-39690577-A-G. GRCh37 (hg19) VCF-style: chr7-39730176-A-G.
Other names: short protein forms T104A.
Identifiers: ClinVar variation 1499933 (VCV001499933.8), dbSNP rs1403612922, ClinGen allele CA367305405.

ClinVar aggregate classification (germline): Uncertain significance (1 of 4 stars; one submission).

Allele frequency attached by ClinVar (database versions not stated): gnomAD exomes below 0.00001; TOPMed below 0.00001; gnomAD 0.00001.
gnomAD v4.1: 3 of 1,610,936 alleles (0.00019%); highest among the groups gnomAD compares: Non-Finnish European, 0.00025%; no homozygotes.

Submission:

Labcorp Genetics (formerly Invitae), Labcorp
Classification: Uncertain significance. Last evaluated: 2024-06-11. Review status: criteria provided, single submitter. Criteria: Invitae Variant Classification Sherloc (09022015). Collection method: clinical testing. Allele origin: germline.
Comment: This sequence change replaces threonine, which is neutral and polar, with alanine, which is neutral and non-polar, at codon 104 of the RALA protein (p.Thr104Ala). This variant is present in population databases (no rsID available, gnomAD 0.0009%). This variant has not been reported in the literature in individuals affected with RALA-related conditions. ClinVar contains an entry for this variant (Variation ID: 1499933). Advanced modeling of protein sequence and biophysical properties (such as structural, functional, and spatial information, amino acid conservation, physicochemical variation, residue mobility, and thermodynamic stability) performed at Invitae indicates that this missense variant is not expected to disrupt RALA protein function with a negative predictive value of 95%. In summary, the available evidence is currently insufficient to determine the role of this variant in disease. Therefore, it has been classified as a Variant of Uncertain Significance.